The following is an entry in ClinVar:

NM_000044.6(AR):c.1487del (p.Asp496fs)

Gene: AR (androgen receptor; plus strand). Cytogenetic location: Xq12.
Variant type: Deletion.
Coding change: c.1487del on transcript NM_000044.6 (MANE Select); coding-DNA position 1487, one base deleted (A; older notation c.1487delA).
Protein change: p.Asp496fs; shifts the reading frame from aspartic acid 496.
Molecular consequence: frameshift variant. On other transcripts: 5 prime UTR variant (1).
Genome position (GRCh38, 1-based): chrX:67,546,633, A deleted. VCF-style (leftmost placement, unchanged base first): chrX-67546632-GA-G. GRCh37 (hg19) VCF-style: chrX-66766474-GA-G.
Other names: c.-297del (NM_001011645.3); c.1487del, p.Asp496fs (NM_001348061.1, NM_001348063.1, NM_001348064.1); short protein forms D496fs.
Identifiers: ClinVar variation 4786119 (VCV004786119.1).

ClinVar aggregate classification (germline): Pathogenic (1 of 4 stars; one submission).

Conditions:
Androgen resistance syndrome (AIS). Also called: ANDROGEN RECEPTOR DEFICIENCY; DIHYDROTESTOSTERONE RECEPTOR DEFICIENCY; TESTICULAR FEMINIZATION SYNDROME; DHTR DEFICIENCY; Androgen insensitivity syndrome; Androgen insensitivity. Identifiers: Orphanet 754, Orphanet 99429, MedGen C0039585, MONDO:0019154, OMIM 300068. Disease mechanism: loss of function.
Kennedy disease (SMAX1). Also called: SPINAL AND BULBAR MUSCULAR ATROPHY, X-LINKED 1; KENNEDY SPINAL AND BULBAR MUSCULAR ATROPHY; Spinal and Bulbar Muscular Atrophy. Identifiers: Orphanet 481, MedGen C1839259, MONDO:0010735, OMIM 313200.

Submission:

Labcorp Genetics (formerly Invitae), Labcorp
Classification: Pathogenic for Kennedy disease; Androgen resistance syndrome. Last evaluated: 2025-09-11. Review status: criteria provided, single submitter. Criteria: Invitae Variant Classification Sherloc (09022015). Collection method: clinical testing. Allele origin: germline.
Comment: This sequence change creates a premature translational stop signal (p.Asp496Alafs*14) in the AR gene. It is expected to result in an absent or disrupted protein product. Loss-of-function variants in AR are known to be pathogenic (PMID: 19463997). This variant is not present in population databases (gnomAD no frequency). This variant has not been reported in the literature in individuals affected with AR-related conditions. For these reasons, this variant has been classified as Pathogenic.

Literature cited by the submitters: PubMed 19463997.